The following is an entry in ClinVar:

NM_000051.4(ATM):c.5188C>T (p.Arg1730Ter)

Gene: ATM (ATM serine/threonine kinase; plus strand). Cytogenetic location: 11q22.3.
Variant type: single nucleotide variant.
Coding change: c.5188C>T on transcript NM_000051.4 (MANE Select); coding-DNA position 5188, C replaced by T.
Protein change: p.Arg1730Ter; replaces arginine 1730 with a stop codon.
Molecular consequence: nonsense.
Genome position (GRCh38, 1-based): chr11:108,301,658, C>T. VCF-style: chr11-108301658-C-T. GRCh37 (hg19) VCF-style: chr11-108172385-C-T.
Other names: c.5188C>T, p.Arg1730Ter (NM_001351834.2); short protein forms R1730*.
Identifiers: ClinVar variation 189054 (VCV000189054.46), dbSNP rs764389018, ClinGen allele CA334791.

ClinVar aggregate classification (germline): Pathogenic/Likely pathogenic. Review status: criteria provided, multiple submitters, no conflicts (2 of 4 stars). 14 submissions from 14 submitters: Pathogenic (10); Likely pathogenic (1). 3 of the submissions do not count toward it. Last evaluated 2025-12-01.

Conditions:
ATM-related cancer predisposition. Also called: ATM-related cancer susceptibility. Identifiers: MedGen CN377759, MONDO:0700270.
ATM-related disorder. Also called: ATM-related disorders; ATM-related condition.
Familial colorectal cancer type X. Identifiers: Orphanet 440437, MedGen C3896578, MONDO:0018604.
Gastric cancer. Also called: Malignant tumor of stomach; Stomach cancer. Identifiers: MedGen C0024623, MeSH D013274, MONDO:0001056, OMIM 613659, HP:0012126.
Hereditary cancer-predisposing syndrome. Also called: Neoplastic Syndromes, Hereditary; Tumor predisposition; Hereditary neoplastic syndrome; Hereditary Cancer Syndrome. Identifiers: Orphanet 140162, MedGen C0027672, MeSH D009386, MONDO:0015356.
Familial cancer of breast. Also called: Hereditary breast cancer; BREAST CANCER, FAMILIAL; hereditary breast carcinoma. Identifiers: Orphanet 227535, MedGen C0346153, MONDO:0016419, OMIM 114480. Disease mechanism: loss of function.
Ataxia-telangiectasia syndrome (AT). Also called: Cerebello-oculocutaneous telangiectasia; Immunodeficiency with ataxia telangiectasia; AT, COMPLEMENTATION GROUP C; LOUIS-BAR SYNDROME; Ataxia-telangiectasia, complementation group E; ATAXIA-TELANGIECTASIA, COMPLEMENTATION GROUP A. Identifiers: Orphanet 100, MedGen C0004135, MONDO:0008840, OMIM 208900.
Malignant tumor of breast. Also called: Malignant breast neoplasm; Cancer breast. Identifiers: MedGen C0006142, MONDO:0007254. Disease mechanism: loss of function.

Allele frequency attached by ClinVar (database versions not stated): ExAC 0.00001; gnomAD 0.00001; gnomAD exomes 0.00001; TOPMed 0.00001.
gnomAD v4.1: 10 of 1,613,228 alleles (0.00062%); highest among the groups gnomAD compares: Admixed American, 0.0017%; no homozygotes.

Submissions (14):

Labcorp Genetics (formerly Invitae), Labcorp
Classification: Pathogenic for Ataxia-telangiectasia syndrome. Last evaluated: 2025-12-01. Review status: criteria provided, single submitter. Criteria: Invitae Variant Classification Sherloc (09022015). Collection method: clinical testing. Allele origin: germline.
Comment: This sequence change creates a premature translational stop signal (p.Arg1730*) in the ATM gene. It is expected to result in an absent or disrupted protein product. Loss-of-function variants in ATM are known to be pathogenic (PMID: 23807571, 25614872). This variant is present in population databases (rs764389018, gnomAD 0.002%). This premature translational stop signal has been observed in individual(s) with ataxia-telangiectasia (PMID: 10425038, 12815592, 21792198, 22213089). ClinVar contains an entry for this variant (Variation ID: 189054). RNA analysis performed to evaluate the impact of this premature translational stop signal on mRNA splicing indicates it does not significantly alter splicing (internal data). For these reasons, this variant has been classified as Pathogenic.

Ambry Genetics
Classification: Pathogenic for Hereditary cancer-predisposing syndrome. Last evaluated: 2025-11-03. Review status: criteria provided, single submitter. Criteria: Ambry Variant Classification Scheme 2023. Collection method: clinical testing. Allele origin: germline.
Comment: The p.R1730* pathogenic mutation (also known as c.5188C>T), located in coding exon 34 of the ATM gene, results from a C to T substitution at nucleotide position 5188. This changes the amino acid from an arginine to a stop codon within coding exon 34. This mutation has been reported in individuals and families with ataxia telangiectasia (A-T), including in homozygous individuals with no ATM protein expression (Castellv&iacute;-Bel S et al, Hum. Mutat. 1999 ; 14(2):156-62; Mitui M et al, Hum. Mutat. 2003 Jul; 22(1):43-50; Carranza D et al. Neuromolecular Med. 2017 Mar;19(1):161-174; Verhagen MM et al. Hum. Mutat. 2012 Mar;33(3):561-71). In addition to the clinical data presented in the literature, this alteration is expected to result in loss of function by premature protein truncation or nonsense-mediated mRNA decay. As such, this alteration is interpreted as a disease-causing mutation.

Clinical Genetics Laboratory, Skane University Hospital Lund
Classification: Likely pathogenic for Malignant tumor of breast. Last evaluated: 2025-05-27. Review status: criteria provided, single submitter. Criteria: ACMG Guidelines, 2015. Collection method: clinical testing. Allele origin: germline. Affected: yes.
Comment: PVS1, PM4

PreventionGenetics, part of Exact Sciences
Classification: Pathogenic for ATM-related condition. Last evaluated: 2025-02-10. Review status: criteria provided, single submitter. Criteria: ACMG Guidelines, 2015. Collection method: clinical testing. Allele origin: germline.
Comment: The ATM c.5188C>T variant is predicted to result in premature protein termination (p.Arg1730*). This variant has been reported in both the compound heterozygous and homozygous state in multiple individuals with ataxia-telangiectasia (Table 2, Castellvi-Bel et al. 1999. PubMed ID: 10425038; Table S1, Reiman et al. 2011. PubMed ID: 21792198; Table 1, Verhagen et al. 2012. PubMed ID: 22213089; Table S5, Micol et al. 2011. PubMed ID: 21665257; Table 1, Driessen et al. 2013. PubMed ID: 23566627; Table 1, Carranza et al. 2016. PubMed ID: 27664052). This variant is reported in 0.0018% of alleles in individuals of European (non-Finnish) descent in gnomAD and is interpreted as likely pathogenic/pathogenic in ClinVar. Nonsense variants in ATM are expected to be pathogenic. This variant is interpreted as pathogenic.

Color Diagnostics, LLC DBA Color Health
Classification: Pathogenic for Hereditary cancer-predisposing syndrome. Last evaluated: 2024-11-05. Review status: criteria provided, single submitter. Criteria: ACMG Guidelines, 2015. Collection method: clinical testing. Allele origin: germline.
Comment: This variant changes 1 nucleotide in exon 35 of the ATM gene, creating a premature translation stop signal. This variant is expected to result in an absent or non-functional protein product. This variant has been reported in the homozygous and compound heterozygous state in individuals affected with ataxia-telangiectasia (PMID: 10425038, 12815592, 21665257, 21792198, 22213089). This variant has also been identified in 2/251138 chromosomes in the general population by the Genome Aggregation Database (gnomAD). Loss of ATM function is a known mechanism of disease. Based on the available evidence, this variant is classified as Pathogenic.

Department of Pathology and Laboratory Medicine, Sinai Health System
Classification: Pathogenic for Familial colorectal cancer type X. Last evaluated: 2024-03-26. Review status: criteria provided, single submitter. Criteria: ACMG Guidelines, 2015. Collection method: clinical testing. Allele origin: germline. Affected: yes.

Baylor Genetics
Classification: Pathogenic for Familial cancer of breast. Last evaluated: 2024-02-29. Review status: criteria provided, single submitter. Criteria: ACMG Guidelines, 2015. Collection method: clinical testing. Allele origin: unknown.

Myriad Genetics, Inc.
Classification: Pathogenic for Familial cancer of breast. Last evaluated: 2024-01-25. Review status: criteria provided, single submitter. Criteria: Myriad Autosomal Dominant, Autosomal Recessive and X-Linked Classification Criteria (2023). Collection method: clinical testing. Allele origin: unknown.
Comment: This variant is considered pathogenic. This variant creates a termination codon and is predicted to result in premature protein truncation.

Women's Health and Genetics/Laboratory Corporation of America, LabCorp
Classification: Pathogenic for Ataxia-telangiectasia syndrome. Last evaluated: 2021-10-22. Review status: criteria provided, single submitter. Criteria: LabCorp Variant Classification Summary - May 2015. Collection method: clinical testing. Allele origin: germline.
Comment: Variant summary: ATM c.5188C>T (p.Arg1730X) results in a premature termination codon, predicted to cause a truncation of the encoded protein or absence of the protein due to nonsense mediated decay, which are commonly known mechanisms for disease. Truncations downstream of this position have been classified as pathogenic by our laboratory. The variant allele was found at a frequency of 8e-06 in 251138 control chromosomes (gnomAD). c.5188C>T has been reported in the literature in multiple individuals affected with Ataxia-Telangiectasia in both the homozygous and compound heterozygous state (example, Reiman_2011, Verhagen_2012, Driessen_2013 and Carranza_2017). These data indicate that the variant is associated with disease. Five clinical diagnostic laboratories have submitted clinical-significance assessments for this variant to ClinVar after 2014 and classified the variant as pathogenic. Based on the evidence outlined above, the variant was classified as pathogenic.

GeneDx
Classification: Pathogenic. Last evaluated: 2018-02-12. Review status: criteria provided, single submitter. Criteria: GeneDx Variant Classification (06012015). Collection method: clinical testing. Allele origin: germline. Affected: yes.
Comment: This variant is denoted ATM c.5188C>T at the cDNA level and p.Arg1730Ter (R1730X) at the protein level. The substitution creates a nonsense variant, which changes an Arginine to a premature stop codon (CGA>TGA), and is predicted to cause loss of normal protein function through either protein truncation or nonsense-mediated mRNA decay. This variant has been reported in the homozygous or compound heterozygous state in several individuals with Ataxia-telangiectasia (Mitui 2003, Mitui 2005, Carranza 2017, van Os 2017) and is considered pathogenic.

University Health Network, Familial Cancer Clinic, Princess Margaret Cancer Centre
Classification: Pathogenic for ATM-related cancer predisposition. Review status: criteria provided, single submitter. Criteria: ACMG Guidelines, 2015. Collection method: clinical testing. Allele origin: germline. Inheritance: Autosomal dominant inheritance. Affected: yes. Observed: 1 variant allele.

Laboratory for Genotyping Development, RIKEN
Classification: Pathogenic for Gastric cancer. Last evaluated: 2021-07-01. Review status: no assertion criteria provided. Collection method: research. Allele origin: germline. Not counted in ClinVar's aggregate classification.

Natera, Inc.
Classification: Pathogenic for Ataxia-telangiectasia. Last evaluated: 2020-09-16. Review status: no assertion criteria provided. Collection method: clinical testing. Allele origin: germline. Not counted in ClinVar's aggregate classification.

Counsyl
Classification: Likely pathogenic for Ataxia-telangiectasia syndrome. Last evaluated: 2014-11-11. Review status: no assertion criteria provided. Collection method: literature only. Allele origin: unknown. Inheritance: Autosomal recessive inheritance. Not counted in ClinVar's aggregate classification.

Literature cited by the submitters: PubMed 23807571 (cited by Labcorp Genetics (formerly Invitae), Labcorp); PubMed 25614872 (cited by Labcorp Genetics (formerly Invitae), Labcorp); PubMed 10425038 (cited by 5 submitters); PubMed 12815592 (cited by 5 submitters); PubMed 21792198 (cited by 4 submitters); PubMed 22213089 (cited by 5 submitters); PubMed 12673797 (cited by Ambry Genetics and Department of Pathology and Laboratory Medicine, Sinai Health System); PubMed 21445571 (cited by Ambry Genetics); PubMed 25525159 (cited by Ambry Genetics); PubMed 27664052 (cited by 3 submitters); PubMed 28497333 (cited by Ambry Genetics and Department of Pathology and Laboratory Medicine, Sinai Health System); PubMed 21665257 (cited by Color Diagnostics, LLC DBA Color Health); PubMed 16266405 (cited by Department of Pathology and Laboratory Medicine, Sinai Health System and Counsyl); PubMed 30287823 (cited by Department of Pathology and Laboratory Medicine, Sinai Health System); PubMed 33471991 (cited by Department of Pathology and Laboratory Medicine, Sinai Health System); PubMed 23566627 (cited by Women's Health and Genetics/Laboratory Corporation of America, LabCorp); PubMed 36988593 (cited by Laboratory for Genotyping Development, RIKEN).